The following is an entry in ClinVar:

ClinVar aggregate classification (germline): Uncertain significance. Review status: criteria provided, multiple submitters, no conflicts (2 of 4 stars). 4 submissions from 4 submitters: Uncertain significance (4). Last evaluated 2024-10-12.

Conditions:
Inborn genetic diseases. Identifiers: MedGen C0950123, MeSH D030342.
Oculotrichoanal syndrome (MOTA). Also called: Manitoba Oculotrichoanal (MOTA) Syndrome; MARLES SYNDROME. Identifiers: Orphanet 2717, MedGen C1855425, MONDO:0009560, OMIM 248450.
BNAR syndrome. Also called: Bifid Nose With or Without Anorectal and Renal Anomalies (BNAR) Syndrome. Identifiers: Orphanet 217266, MedGen C2750433, MONDO:0012165, OMIM 608980.
Trigonocephaly 2 (TRIGNO2). Identifiers: Orphanet 3366, MedGen C3280974, MONDO:0013774, OMIM 614485.

Allele frequency attached by ClinVar (database versions not stated): gnomAD 0.00001 and 0.00002; gnomAD exomes 0.00001 and 0.00002; TOPMed 0.00001.
gnomAD v4.1: 11 of 1,613,910 alleles (0.00068%); highest among the groups gnomAD compares: East Asian, 0.022%; no homozygotes.

Submissions (4):

Ambry Genetics
Classification: Uncertain significance for Inborn genetic diseases. Last evaluated: 2024-10-12. Review status: criteria provided, single submitter. Criteria: Ambry Variant Classification Scheme 2023. Collection method: clinical testing. Allele origin: germline.

Fulgent Genetics
Classification: Uncertain significance for Oculotrichoanal syndrome; BNAR syndrome; Trigonocephaly 2. Last evaluated: 2024-06-19. Review status: criteria provided, single submitter. Criteria: ACMG Guidelines, 2015. Collection method: clinical testing. Allele origin: germline.

Labcorp Genetics (formerly Invitae), Labcorp
Classification: Uncertain significance. Last evaluated: 2022-06-28. Review status: criteria provided, single submitter. Criteria: Invitae Variant Classification Sherloc (09022015). Collection method: clinical testing. Allele origin: germline.
Comment: This sequence change replaces leucine, which is neutral and non-polar, with valine, which is neutral and non-polar, at codon 128 of the FREM1 protein (p.Leu128Val). This variant is present in population databases (no rsID available, gnomAD 0.03%). This variant has not been reported in the literature in individuals affected with FREM1-related conditions. ClinVar contains an entry for this variant (Variation ID: 288264). Algorithms developed to predict the effect of missense changes on protein structure and function output the following: SIFT: "Tolerated"; PolyPhen-2: "Benign"; Align-GVGD: "Class C0". The valine amino acid residue is found in multiple mammalian species, which suggests that this missense change does not adversely affect protein function. In summary, the available evidence is currently insufficient to determine the role of this variant in disease. Therefore, it has been classified as a Variant of Uncertain Significance.

Eurofins Ntd Llc (ga)
Classification: Uncertain significance. Last evaluated: 2016-05-23. Review status: criteria provided, single submitter. Criteria: EGL Classification Definitions 2015. Collection method: clinical testing. Allele origin: germline. Observed: 1 variant allele, 1 heterozygote.

NM_001379081.2(FREM1):c.382C>G (p.Leu128Val)

Gene: FREM1 (FRAS1 related extracellular matrix 1; minus strand). Cytogenetic location: 9p22.3.
Variant type: single nucleotide variant.
Coding change: c.382C>G on transcript NM_001379081.2 (MANE Select); coding-DNA position 382, C replaced by G.
Protein change: p.Leu128Val; replaces leucine 128 with valine.
Molecular consequence: missense variant. On other transcripts: non-coding transcript variant (4).
Genome position (GRCh38, 1-based): chr9:14,859,432, G>C on the plus strand (C>G on the coding strand, the complement: FREM1 is on the minus strand). VCF-style: chr9-14859432-G-C. GRCh37 (hg19) VCF-style: chr9-14859430-G-C.
Other names: c.382C>G, p.Leu128Val (NM_001370060.1, NM_001370063.1, NM_001370065.1 and 1 more transcripts); short protein forms L128V.
Identifiers: ClinVar variation 288264 (VCV000288264.10), dbSNP rs886043843, ClinGen allele CA10606019.